The following is an entry in ClinVar:

NM_153240.5(NPHP3):c.233G>T (p.Gly78Val)

Genes: NPHP3 (nephrocystin 3; minus strand), NPHP3-ACAD11 (NPHP3-ACAD11 readthrough (NMD candidate); minus strand), NPHP3-AS1 (NPHP3 antisense RNA 1; plus strand), LOC129937586 (ATAC-STARR-seq lymphoblastoid silent region 14743; plus strand). Cytogenetic location: 3q22.1.
Variant type: single nucleotide variant.
Coding change: c.233G>T on transcript NM_153240.5 (MANE Select); coding-DNA position 233, G replaced by T.
Protein change: p.Gly78Val; replaces glycine 78 with valine.
Molecular consequence: missense variant. On other transcripts: non-coding transcript variant (3).
Genome position (GRCh38, 1-based): chr3:132,722,123, C>A on the plus strand (G>T on the coding strand, the complement: NPHP3 is on the minus strand). VCF-style: chr3-132722123-C-A. GRCh37 (hg19) VCF-style: chr3-132440967-C-A.
Other names: short protein forms G78V.
Identifiers: ClinVar variation 291105 (VCV000291105.21), dbSNP rs202142404, ClinGen allele CA2622679.
Genomic context (GRCh38, chr3:132,722,123, plus strand): 5'-TACTCCTTCCTGAGCCGCTCGTACTCGGCCGCCGCGTACTCCAGCTCTGGCACCGACGAG[C>A]CAGTGGACTTGAAGCTGGCCCCCAGCAGCCCGCCCGCGCCCACCCCGCGGGGCAGCGACC-3'
Protein context (NP_694972.3, residues 68-88): GLLGASFKST[Gly78Val]SSVPELEYAA

ClinVar aggregate classification (germline): Uncertain significance. Review status: criteria provided, multiple submitters, no conflicts (2 of 4 stars). 6 submissions from 6 submitters: Uncertain significance (5). 1 of the submissions does not count toward it. Last evaluated 2024-06-25.

Conditions:
NPHP3-related disorder. Also called: NPHP3-related disorders; NPHP3-related condition. Identifiers: MedGen CN379163.
Inborn genetic diseases. Identifiers: MedGen C0950123, MeSH D030342.
Renal-hepatic-pancreatic dysplasia 1 (RHPD1). Identifiers: MedGen C3715199, MONDO:0008833, OMIM 208540.
Nephronophthisis 3 (NPHP3). Also called: Adolescent nephronophthisis. Identifiers: Orphanet 655, MedGen C1858392, MONDO:0011456, OMIM 604387.
NPHP3-related Meckel-like syndrome. Also called: GOLDSTON SYNDROME; Meckel syndrome type 7. Identifiers: Orphanet 3032, MedGen C2673885, MONDO:0009966, OMIM 267010.
Nephronophthisis. Also called: Juvenile Nephronophthisis. Identifiers: Orphanet 655, MedGen C0687120, MONDO:0019005, HP:0000090.

Allele frequency attached by ClinVar (database versions not stated): ExAC 0.00005; gnomAD exomes 0.00005; TOPMed 0.00005; gnomAD 0.00006.
gnomAD v4.1: 115 of 1,606,008 alleles (0.0072%); highest among the groups gnomAD compares: Non-Finnish European, 0.0095%; no homozygotes.

Submissions (6):

Fulgent Genetics
Classification: Uncertain significance for Renal-hepatic-pancreatic dysplasia 1; NPHP3-related Meckel-like syndrome; Nephronophthisis 3. Last evaluated: 2024-06-25. Review status: criteria provided, single submitter. Criteria: ACMG Guidelines, 2015. Collection method: clinical testing. Allele origin: germline.

Ambry Genetics
Classification: Uncertain significance for Inborn genetic diseases. Last evaluated: 2023-12-22. Review status: criteria provided, single submitter. Criteria: Ambry Variant Classification Scheme 2023. Collection method: clinical testing. Allele origin: germline.

Labcorp Genetics (formerly Invitae), Labcorp
Classification: Uncertain significance for Nephronophthisis. Last evaluated: 2022-10-24. Review status: criteria provided, single submitter. Criteria: Invitae Variant Classification Sherloc (09022015). Collection method: clinical testing. Allele origin: germline.
Comment: This sequence change replaces glycine, which is neutral and non-polar, with valine, which is neutral and non-polar, at codon 78 of the NPHP3 protein (p.Gly78Val). This variant is present in population databases (rs202142404, gnomAD 0.01%). This variant has not been reported in the literature in individuals affected with NPHP3-related conditions. ClinVar contains an entry for this variant (Variation ID: 291105). Advanced modeling of protein sequence and biophysical properties (such as structural, functional, and spatial information, amino acid conservation, physicochemical variation, residue mobility, and thermodynamic stability) performed at Invitae indicates that this missense variant is not expected to disrupt NPHP3 protein function. In summary, the available evidence is currently insufficient to determine the role of this variant in disease. Therefore, it has been classified as a Variant of Uncertain Significance.

GeneDx
Classification: Uncertain significance. Last evaluated: 2017-06-13. Review status: criteria provided, single submitter. Criteria: GeneDx Variant Classification (06012015). Collection method: clinical testing. Allele origin: germline. Affected: yes.
Comment: A variant of uncertain significance has been identified in the NPHP3 gene. The G78V variant has not been published as a pathogenic variant, nor has it been reported as a benign variant to our knowledge. The G78V variant is observed in 1/8252 (0.01%) alleles from individuals of East Asian background (Lek et al., 2016; 1000 Genomes Consortium et al., 2015; Exome Variant Server). The G78V variant is a conservative amino acid substitution, which is not likely to impact secondary protein structure as these residues share similar properties. This substitution occurs at a position where amino acids with similar properties to Glycine are tolerated across species. However, in silico analysis predicts this variant is probably damaging to the protein structure/function. Therefore, based on the currently available information, it is unclear whether this variant is a pathogenic variant or a rare benign variant.

Eurofins Ntd Llc (ga)
Classification: Uncertain significance. Last evaluated: 2016-09-01. Review status: criteria provided, single submitter. Criteria: EGL Classification Definitions 2015. Collection method: clinical testing. Allele origin: germline. Observed: 1 variant allele, 1 heterozygote.

PreventionGenetics, part of Exact Sciences
Classification: Uncertain significance for NPHP3-related condition. Last evaluated: 2024-06-16. Review status: no assertion criteria provided. Collection method: clinical testing. Allele origin: germline. Not counted in ClinVar's aggregate classification.
Comment: The NPHP3 c.233G>T variant is predicted to result in the amino acid substitution p.Gly78Val. To our knowledge, this variant has not been reported in the literature. This variant is reported in 0.012% of alleles in individuals of European (Non-Finnish) descent in gnomAD. At this time, the clinical significance of this variant is uncertain due to the absence of conclusive functional and genetic evidence.